The following is an entry in ClinVar:

ClinVar aggregate classification (germline): Uncertain significance (1 of 4 stars; one submission).

Allele frequency attached by ClinVar (database versions not stated): gnomAD 0.00001.
gnomAD v4.1: 1 of 1,613,966 alleles (0.000062%); highest among the groups gnomAD compares: Admixed American, 0.0017%; no homozygotes.

Submission:

Labcorp Genetics (formerly Invitae), Labcorp
Classification: Uncertain significance. Last evaluated: 2023-08-04. Review status: criteria provided, single submitter. Criteria: Invitae Variant Classification Sherloc (09022015). Collection method: clinical testing. Allele origin: germline.
Comment: ClinVar contains an entry for this variant (Variation ID: 2166119). In summary, the available evidence is currently insufficient to determine the role of this variant in disease. Therefore, it has been classified as a Variant of Uncertain Significance. An algorithm developed to predict the effect of missense changes on protein structure and function (PolyPhen-2) suggests that this variant is likely to be tolerated. This variant has not been reported in the literature in individuals affected with NPAT-related conditions. This variant is not present in population databases (gnomAD no frequency). This sequence change replaces isoleucine, which is neutral and non-polar, with lysine, which is basic and polar, at codon 419 of the NPAT protein (p.Ile419Lys).

NM_002519.3(NPAT):c.1256T>A (p.Ile419Lys)

Gene: NPAT (nuclear protein, coactivator of histone transcription; minus strand). Cytogenetic location: 11q22.3.
Variant type: single nucleotide variant.
Coding change: c.1256T>A on transcript NM_002519.3 (MANE Select); coding-DNA position 1256, T replaced by A.
Protein change: p.Ile419Lys; replaces isoleucine 419 with lysine.
Molecular consequence: missense variant.
Genome position (GRCh38, 1-based): chr11:108,173,728, A>T on the plus strand (T>A on the coding strand, the complement: NPAT is on the minus strand). VCF-style: chr11-108173728-A-T. GRCh37 (hg19) VCF-style: chr11-108044455-A-T.
Other names: c.1256T>A, p.Ile419Lys (NM_001321307.1); short protein forms I419K.
Identifiers: ClinVar variation 2166119 (VCV002166119.4), dbSNP rs2077978428, ClinGen allele CA382515837.